The following is an entry in ClinVar:

NM_021020.5(LZTS1):c.1390_1391insGCGAGGCGGAGCTGC (p.Leu463_Leu464insArgGluAlaGluLeu)

Gene: LZTS1 (leucine zipper tumor suppressor 1; minus strand). Cytogenetic location: 8p21.3.
Variant type: Insertion.
Coding change: c.1390_1391insGCGAGGCGGAGCTGC on transcript NM_021020.5 (MANE Select); coding-DNA positions 1390 to 1391, GCGAGGCGGAGCTGC inserted.
Protein change: p.Leu463_Leu464insArgGluAlaGluLeu.
Molecular consequence: inframe insertion.
Genome position: GRCh38 VCF-style: chr8-20250122-A-AGCAGCTCCGCCTCGC. GRCh37 (hg19) VCF-style: chr8-20107633-A-AGCAGCTCCGCCTCGC.
Other names: c.1390_1391insGCGAGGCGGAGCTGC, p.Leu463_Leu464insArgGluAlaGluLeu (NM_001362884.2).
Identifiers: ClinVar variation 4724103 (VCV004724103.1).

ClinVar aggregate classification (germline): Uncertain significance (1 of 4 stars; one submission).

Submission:

Labcorp Genetics (formerly Invitae), Labcorp
Classification: Uncertain significance. Last evaluated: 2025-08-03. Review status: criteria provided, single submitter. Criteria: Invitae Variant Classification Sherloc (09022015). Collection method: clinical testing. Allele origin: germline.
Comment: This variant, c.1390_1391insGCGAGGCGGAGCTGC, results in the insertion of 5 amino acid(s) of the LZTS1 protein (p.Leu463_Leu464insArgGluAlaGluLeu), but otherwise preserves the integrity of the reading frame. This variant is not present in population databases (gnomAD no frequency). This variant has not been reported in the literature in individuals affected with LZTS1-related conditions. In summary, the available evidence is currently insufficient to determine the role of this variant in disease. Therefore, it has been classified as a Variant of Uncertain Significance.